The following is an entry in ClinVar:

NM_001018115.3(FANCD2):c.4185+5G>T

Genes: FANCD2 (FA complementation group D2; plus strand), FANCD2OS (FANCD2 opposite strand; minus strand). Cytogenetic location: 3p25.3.
Variant type: single nucleotide variant.
Coding change: c.4185+5G>T on transcript NM_001018115.3 (MANE Select); 5 bases into the intron after coding-DNA position 4185, G replaced by T.
Molecular consequence: intron variant.
Genome position (GRCh38, 1-based): chr3:10,096,477, G>T. VCF-style: chr3-10096477-G-T. GRCh37 (hg19) VCF-style: chr3-10138161-G-T.
Other names: c.4185+5G>T (NM_001319984.2, NM_033084.6); c.4074+5G>T (NM_001374253.1); c.4146+5G>T (NM_001374254.1); c.*43+7721C>A (NM_173472.2).
Identifiers: ClinVar variation 1481283 (VCV001481283.4), dbSNP rs2125095695, ClinGen allele CA2573136078.

ClinVar aggregate classification (germline): Uncertain significance (1 of 4 stars; one submission).

Conditions:
Fanconi anemia (FA). Also called: Fanconi's anemia. Identifiers: Orphanet 84, MedGen C0015625, MeSH D005199, MONDO:0019391.

gnomAD v4.1: 2 of 1,613,754 alleles (0.00012%); highest among the groups gnomAD compares: Non-Finnish European, 0.00017%; no homozygotes.

Submission:

Labcorp Genetics (formerly Invitae), Labcorp
Classification: Uncertain significance for Fanconi anemia. Last evaluated: 2021-06-25. Review status: criteria provided, single submitter. Criteria: Invitae Variant Classification Sherloc (09022015). Collection method: clinical testing. Allele origin: germline.
Comment: This sequence change falls in intron 42 of the FANCD2 gene. It does not directly change the encoded amino acid sequence of the FANCD2 protein. It affects a nucleotide within the consensus splice site of the intron. This variant is not present in population databases (ExAC no frequency). This variant has not been reported in the literature in individuals with FANCD2-related conditions. Nucleotide substitutions within the consensus splice site are a relatively common cause of aberrant splicing (PMID: 17576681, 9536098). Algorithms developed to predict the effect of sequence changes on RNA splicing suggest that this variant may disrupt the consensus splice site, but this prediction has not been confirmed by published transcriptional studies. In summary, the available evidence is currently insufficient to determine the role of this variant in disease. Therefore, it has been classified as a Variant of Uncertain Significance.

Literature cited by the submitters: PubMed 17576681; PubMed 9536098.